The following is an entry in ClinVar:

NM_014049.5(ACAD9):c.930C>T (p.Val310=)

Genes: ACAD9 (acyl-CoA dehydrogenase family member 9; plus strand), LOC126806807 (BRD4-independent group 4 enhancer GRCh37_chr3:128620937-128622136; plus strand). Cytogenetic location: 3q21.3.
Variant type: single nucleotide variant.
Coding change: c.930C>T on transcript NM_014049.5 (MANE Select); coding-DNA position 930, C replaced by T.
Protein change: p.Val310=; no amino-acid change (valine 310 retained).
Molecular consequence: synonymous variant. On other transcripts: non-coding transcript variant (1).
Genome position (GRCh38, 1-based): chr3:128,902,600, C>T. VCF-style: chr3-128902600-C-T. GRCh37 (hg19) VCF-style: chr3-128621443-C-T.
Identifiers: ClinVar variation 390070 (VCV000390070.9), dbSNP rs776476230, ClinGen allele CA2601350.
Genomic context (GRCh38, chr3:128,902,600, plus strand): 5'-GTTCTCCCTGCAGGTGGCCATGAACATCCTCAACAGCGGCCGGTTCAGCATGGGCAGCGT[C>T]GTGGCTGGGCTGCTCAAGAGATTGATTGGTAGGTAAGTTAGGGACAAGGCCCTTTGTGCC-3'
Protein context (NP_054768.2, residues 300-320): LNSGRFSMGS[Val310=]VAGLLKRLIE

ClinVar aggregate classification (germline): Likely benign. Review status: criteria provided, multiple submitters, no conflicts (2 of 4 stars). 2 submissions from 2 submitters: Likely benign (2). Last evaluated 2025-12-22.

Allele frequency attached by ClinVar (database versions not stated): gnomAD exomes 0.00001 and 0.00002; ExAC 0.00002; TOPMed 0.00002; gnomAD 0.00006.
gnomAD v4.1: 32 of 1,614,046 alleles (0.002%); highest among the groups gnomAD compares: African/African-American, 0.023%; no homozygotes.

Submissions (2):

Labcorp Genetics (formerly Invitae), Labcorp
Classification: Likely benign. Last evaluated: 2025-12-22. Review status: criteria provided, single submitter. Criteria: Invitae Variant Classification Sherloc (09022015). Collection method: clinical testing. Allele origin: germline.

GeneDx
Classification: Likely benign. Last evaluated: 2016-10-18. Review status: criteria provided, single submitter. Criteria: GeneDx Variant Classification (06012015). Collection method: clinical testing. Allele origin: germline. Affected: yes.
Comment: This variant is considered likely benign or benign based on one or more of the following criteria: it is a conservative change, it occurs at a poorly conserved position in the protein, it is predicted to be benign by multiple in silico algorithms, and/or has population frequency not consistent with disease.